The following is an entry in ClinVar:

ClinVar aggregate classification (germline): Uncertain significance (1 of 4 stars; one submission).

Allele frequency attached by ClinVar (database versions not stated): gnomAD exomes 0.00001; ExAC 0.00002; gnomAD 0.00002; TOPMed 0.00003.
gnomAD v4.1: 12 of 1,602,208 alleles (0.00075%); highest among the groups gnomAD compares: Admixed American, 0.0052%; no homozygotes.

Submission:

Labcorp Genetics (formerly Invitae), Labcorp
Classification: Uncertain significance. Last evaluated: 2025-02-24. Review status: criteria provided, single submitter. Criteria: Invitae Variant Classification Sherloc (09022015). Collection method: clinical testing. Allele origin: germline.
Comment: This sequence change replaces alanine, which is neutral and non-polar, with threonine, which is neutral and polar, at codon 2859 of the CDH23 protein (p.Ala2859Thr). The frequency data for this variant in the population databases is considered unreliable, as metrics indicate poor data quality at this position in the gnomAD database. This variant has not been reported in the literature in individuals affected with CDH23-related conditions. ClinVar contains an entry for this variant (Variation ID: 2188954). Invitae Evidence Modeling of protein sequence and biophysical properties (such as structural, functional, and spatial information, amino acid conservation, physicochemical variation, residue mobility, and thermodynamic stability) has been performed for this missense variant. However, the output from this modeling did not meet the statistical confidence thresholds required to predict the impact of this variant on CDH23 protein function. In summary, the available evidence is currently insufficient to determine the role of this variant in disease. Therefore, it has been classified as a Variant of Uncertain Significance.

NM_022124.6(CDH23):c.8575G>A (p.Ala2859Thr)

Gene: CDH23 (cadherin related 23; plus strand). Cytogenetic location: 10q22.1.
Variant type: single nucleotide variant.
Coding change: c.8575G>A on transcript NM_022124.6 (MANE Select); coding-DNA position 8575, G replaced by A.
Protein change: p.Ala2859Thr; replaces alanine 2859 with threonine.
Molecular consequence: missense variant.
Genome position (GRCh38, 1-based): chr10:71,807,860, G>A. VCF-style: chr10-71807860-G-A. GRCh37 (hg19) VCF-style: chr10-73567617-G-A.
Other names: c.1855G>A, p.Ala619Thr (NM_001171933.1, NM_001171934.1); short protein forms A2859T, A619T.
Identifiers: ClinVar variation 2188954 (VCV002188954.4), dbSNP rs772342747, ClinGen allele CA5546697.